The following is an entry in ClinVar:

ClinVar aggregate classification (germline): Uncertain significance (1 of 4 stars; one submission).

Submission:

Labcorp Genetics (formerly Invitae), Labcorp
Classification: Uncertain significance. Last evaluated: 2024-04-07. Review status: criteria provided, single submitter. Criteria: Invitae Variant Classification Sherloc (09022015). Collection method: clinical testing. Allele origin: germline.
Comment: This sequence change creates a premature translational stop signal (p.Lys355Argfs*25) in the SNIP1 gene. While this is not anticipated to result in nonsense mediated decay, it is expected to disrupt the last 42 amino acid(s) of the SNIP1 protein. This variant is not present in population databases (gnomAD no frequency). This variant has not been reported in the literature in individuals affected with SNIP1-related conditions. Experimental studies and prediction algorithms are not available or were not evaluated, and the functional significance of this variant is currently unknown. In summary, the available evidence is currently insufficient to determine the role of this variant in disease. Therefore, it has been classified as a Variant of Uncertain Significance.

NM_024700.4(SNIP1):c.1064del (p.Lys355fs)

Gene: SNIP1 (Smad nuclear interacting protein 1; minus strand). Cytogenetic location: 1p34.3.
Variant type: Deletion.
Coding change: c.1064del on transcript NM_024700.4 (MANE Select); coding-DNA position 1064, one base deleted (A; older notation c.1064delA).
Protein change: p.Lys355fs; shifts the reading frame from lysine 355.
Molecular consequence: frameshift variant.
Genome position (GRCh38, 1-based): chr1:37,537,875, T deleted on the plus strand (A on the coding strand, the reverse complement: SNIP1 is on the minus strand); the first of 4 consecutive T bases (chr1:37,537,875-37,537,878); deleting any one gives the same sequence. VCF-style (leftmost placement, unchanged base first): chr1-37537874-CT-C. GRCh37 (hg19) VCF-style: chr1-38003475-CT-C.
Other names: short protein forms K355fs.
Identifiers: ClinVar variation 3648249 (VCV003648249.2).